The following is an entry in ClinVar:

ClinVar aggregate classification (germline): Uncertain significance (1 of 4 stars; one submission).

Conditions:
Hereditary cancer-predisposing syndrome. Also called: Neoplastic Syndromes, Hereditary; Tumor predisposition; Hereditary Cancer Syndrome; Hereditary neoplastic syndrome. Identifiers: Orphanet 140162, MedGen C0027672, MeSH D009386, MONDO:0015356.

Submission:

Ambry Genetics
Classification: Uncertain significance for Hereditary cancer-predisposing syndrome. Last evaluated: 2026-05-15. Review status: criteria provided, single submitter. Criteria: Ambry Variant Classification Scheme 2023. Collection method: clinical testing. Allele origin: germline.
Comment: The p.K1984I variant (also known as c.5951A>T), located in coding exon 10 of the BRCA2 gene, results from an A to T substitution at nucleotide position 5951. The lysine at codon 1984 is replaced by isoleucine, an amino acid with dissimilar properties. This amino acid position is highly conserved in available vertebrate species. In addition, this alteration is predicted to be deleterious by in silico analysis. Based on the available evidence, the clinical significance of this variant remains unclear.

NM_000059.4(BRCA2):c.5951A>T (p.Lys1984Ile)

Gene: BRCA2 (BRCA2 DNA repair associated; plus strand). Cytogenetic location: 13q13.1.
Variant type: single nucleotide variant.
Coding change: c.5951A>T on transcript NM_000059.4 (MANE Select); coding-DNA position 5951, A replaced by T.
Protein change: p.Lys1984Ile; replaces lysine 1984 with isoleucine.
Molecular consequence: missense variant. On other transcripts: non-coding transcript variant (1), intron variant (2).
Genome position (GRCh38, 1-based): chr13:32,340,306, A>T. VCF-style: chr13-32340306-A-T. GRCh37 (hg19) VCF-style: chr13-32914443-A-T.
Other names: c.5951A>T, p.Lys1984Ile (NM_001406719.1, NM_001406720.1, NM_001432077.1); c.1910-4252A>T (NM_001406721.1); c.425-4252A>T (NM_001406722.1); short protein forms K1984I.
Identifiers: ClinVar variation 4867860 (VCV004867860.1).